The following is an entry in ClinVar:

ClinVar aggregate classification (germline): Uncertain significance (1 of 4 stars; one submission).

Conditions:
Ataxia-telangiectasia syndrome (AT). Also called: Cerebello-oculocutaneous telangiectasia; Immunodeficiency with ataxia telangiectasia; Ataxia-telangiectasia, complementation group E; Ataxia-telangiectasia, complementation group D; AT, COMPLEMENTATION GROUP C; ATAXIA-TELANGIECTASIA, COMPLEMENTATION GROUP A. Identifiers: Orphanet 100, MedGen C0004135, MONDO:0008840, OMIM 208900.

Submission:

Labcorp Genetics (formerly Invitae), Labcorp
Classification: Uncertain significance for Ataxia-telangiectasia syndrome. Last evaluated: 2018-03-20. Review status: criteria provided, single submitter. Criteria: Invitae Variant Classification Sherloc (09022015). Collection method: clinical testing. Allele origin: germline.
Comment: This sequence change replaces proline with leucine at codon 2652 of the ATM protein (p.Pro2652Leu). The proline residue is highly conserved and there is a moderate physicochemical difference between proline and leucine. In summary, the available evidence is currently insufficient to determine the role of this variant in disease. Therefore, it has been classified as a Variant of Uncertain Significance. Algorithms developed to predict the effect of missense changes on protein structure and function (SIFT, PolyPhen-2, Align-GVGD) all suggest that this variant is likely to be tolerated, but these predictions have not been confirmed by published functional studies and their clinical significance is uncertain. This variant has not been reported in the literature in individuals with ATM-related disease. This variant is not present in population databases (ExAC no frequency).

NM_000051.4(ATM):c.7955C>T (p.Pro2652Leu)

Genes: ATM (ATM serine/threonine kinase; plus strand), C11orf65 (chromosome 11 open reading frame 65; minus strand). Cytogenetic location: 11q22.3.
Variant type: single nucleotide variant.
Coding change: c.7955C>T on transcript NM_000051.4 (MANE Select); coding-DNA position 7955, C replaced by T.
Protein change: p.Pro2652Leu; replaces proline 2652 with leucine.
Molecular consequence: missense variant. On other transcripts: intron variant (2).
Genome position (GRCh38, 1-based): chr11:108,333,913, C>T. VCF-style: chr11-108333913-C-T. GRCh37 (hg19) VCF-style: chr11-108204640-C-T.
Other names: c.7955C>T, p.Pro2652Leu (NM_001351834.2); c.641-24842G>A (NM_001330368.2); c.*38+1307G>A (NM_001351110.2); short protein forms P2652L.
Identifiers: ClinVar variation 572419 (VCV000572419.9), dbSNP rs1565538433, ClinGen allele CA382561706.